The following is an entry in ClinVar:

NM_152564.5(VPS13B):c.3767T>G (p.Met1256Arg)

Gene: VPS13B (vacuolar protein sorting 13 homolog B; plus strand). Cytogenetic location: 8q22.2.
Variant type: single nucleotide variant.
Coding change: c.3767T>G on transcript NM_152564.5 (MANE Select); coding-DNA position 3767, T replaced by G.
Protein change: p.Met1256Arg; replaces methionine 1256 with arginine.
Molecular consequence: missense variant.
Genome position (GRCh38, 1-based): chr8:99,481,699, T>G. VCF-style: chr8-99481699-T-G. GRCh37 (hg19) VCF-style: chr8-100493927-T-G.
Other names: c.3767T>G, p.Met1256Arg (NM_017890.5); short protein forms M1256R.
Identifiers: ClinVar variation 2637947 (VCV002637947.1), dbSNP rs1563753648, ClinGen allele CA371866854.

ClinVar aggregate classification (germline): Uncertain significance (1 of 4 stars; one submission).

Conditions:
Cohen syndrome (COH1). Also called: Cutis verticis gyrata, retinitis pigmentosa, and sensorineural deafness; PEPPER SYNDROME. Identifiers: Orphanet 193, MedGen C0265223, MONDO:0008999, OMIM 216550.

Submission:

Illumina Laboratory Services, Illumina
Classification: Uncertain significance for Cohen syndrome. Last evaluated: 2023-08-10. Review status: criteria provided, single submitter. Criteria: ICSLVariantClassificationCriteria RUGD 01 April 2020. Collection method: clinical testing. Allele origin: unknown.
Comment: The VPS13B c.3767T>G, p.(Met1256Arg) missense variant has been reported in the literature in one individual (PMID: 30792901). This variant has not been observed in version 2.1.1 or version 3.1.2 of the Genome Aggregation Database. Multiple lines of computational evidence suggest that the variant may not impact the gene or gene product. Based on the available evidence, the c.3767T>G, p.(Met1256Arg) variant is classified as a variant of uncertain significance for Cohen syndrome.